The following is an entry in ClinVar:

NM_000548.5(TSC2):c.3472C>G (p.Pro1158Ala)

Gene: TSC2 (TSC complex subunit 2; plus strand). Cytogenetic location: 16p13.3.
Variant type: single nucleotide variant.
Coding change: c.3472C>G on transcript NM_000548.5 (MANE Select); coding-DNA position 3472, C replaced by G.
Protein change: p.Pro1158Ala; replaces proline 1158 with alanine.
Molecular consequence: missense variant.
Genome position (GRCh38, 1-based): chr16:2,080,239, C>G. VCF-style: chr16-2080239-C-G. GRCh37 (hg19) VCF-style: chr16-2130240-C-G.
Other names: c.3340C>G, p.Pro1114Ala (NM_001077183.3, NM_001370404.1); c.3472C>G, p.Pro1158Ala (NM_001114382.3); c.3232C>G, p.Pro1078Ala (NM_001318827.2); c.3196C>G, p.Pro1066Ala (NM_001318829.2); c.2740C>G, p.Pro914Ala (NM_001318831.2); c.3373C>G, p.Pro1125Ala (NM_001318832.2); c.3343C>G, p.Pro1115Ala (NM_001363528.2, NM_001370405.1, NM_021055.3); short protein forms P1158A, P1125A, P1066A, P1114A, P914A, P1078A, P1115A.
Identifiers: ClinVar variation 390104 (VCV000390104.7), dbSNP rs759350468, ClinGen allele CA046994.
Genomic context (GRCh38, chr16:2,080,239, plus strand): 5'-CGAGTTGGCGCCCTGGACGTGCCGGCCTCCCAGTTCCTGGGCAGTGCCACTTCTCCAGGA[C>G]CACGGACTGCACCAGCCGCGAAACCTGAGAAGGCCTCAGCTGGCACCCGGGTTCCTGTGC-3'
Protein context (NP_000539.2, residues 1148-1168): QFLGSATSPG[Pro1158Ala]RTAPAAKPEK

ClinVar aggregate classification (germline): Conflicting classifications of pathogenicity. Review status: criteria provided, conflicting classifications (1 of 4 stars). 4 submissions from 4 submitters: Uncertain significance (3); Benign (1). Last evaluated 2025-08-20.

Conditions:
Tuberous sclerosis 2 (TSC2). Identifiers: Orphanet 805, MedGen C1860707, MONDO:0013199, OMIM 613254.
Hereditary cancer-predisposing syndrome. Also called: Neoplastic Syndromes, Hereditary; Hereditary neoplastic syndrome; Tumor predisposition; Hereditary Cancer Syndrome. Identifiers: Orphanet 140162, MedGen C0027672, MeSH D009386, MONDO:0015356.
Tuberous sclerosis syndrome (TSC). Also called: Tuberous sclerosis; Tuberous Sclerosis Complex. Identifiers: Orphanet 805, MedGen C0041341, MONDO:0001734.

Allele frequency attached by ClinVar (database versions not stated): gnomAD exomes below 0.00001; TOPMed below 0.00001; ExAC 0.00001; gnomAD 0.00001.
gnomAD v4.1: 2 of 1,612,858 alleles (0.00012%); no homozygotes.

Submissions (4):

Ambry Genetics
Classification: Uncertain significance for Hereditary cancer-predisposing syndrome. Last evaluated: 2025-08-20. Review status: criteria provided, single submitter. Criteria: Ambry Variant Classification Scheme 2023. Collection method: clinical testing. Allele origin: germline.
Comment: The p.P1158A variant (also known as c.3472C>G), located in coding exon 29 of the TSC2 gene, results from a C to G substitution at nucleotide position 3472. The proline at codon 1158 is replaced by alanine, an amino acid with highly similar properties. This amino acid position is not well conserved in available vertebrate species. In addition, this alteration is predicted to be tolerated by in silico analysis. Based on the available evidence, the clinical significance of this variant remains unclear.

Labcorp Genetics (formerly Invitae), Labcorp
Classification: Benign for Tuberous sclerosis 2. Last evaluated: 2025-02-17. Review status: criteria provided, single submitter. Criteria: Invitae Variant Classification Sherloc (09022015). Collection method: clinical testing. Allele origin: germline.

All of Us Research Program, National Institutes of Health
Classification: Uncertain significance for Tuberous sclerosis syndrome. Last evaluated: 2024-09-23. Review status: criteria provided, single submitter. Criteria: ACMG Guidelines, 2015. Collection method: clinical testing. Allele origin: germline. Inheritance: Autosomal dominant inheritance. Observed: 1 variant allele, 1 heterozygote.
Comment: This study involves interpretation of variants in research participants for the purpose of population health screening. Participant phenotype was not available at the time of variant classification. Additional details can be found in publication PMID: 35346344, PMCID: PMC8962531

GeneDx
Classification: Uncertain significance. Last evaluated: 2016-10-19. Review status: criteria provided, single submitter. Criteria: GeneDx Variant Classification (06012015). Collection method: clinical testing. Allele origin: germline. Affected: yes.
Comment: A variant of uncertain significance has been identified in the TSC2 gene. The P1158A variant has not been published as a pathogenic variant, nor has it been reported as a benign variant to our knowledge. It was not observed in approximately 6,500 individuals of European and African American ancestry in the NHLBI Exome Sequencing Project, indicating it is not a common benign variant in these populations. The P1158A variant is a semi-conservative amino acid substitution, which may impact secondary protein structure as these residues differ in some properties. However, this substitution occurs at a position that is not conserved, and in silico analysis predicts this variant likely does not alter the protein structure/function. Additionally, this substitution does not occur within known functional domains of the tuberin protein, where many pathogenic missense variants have been identified (Northrup et al., 2011; Au et al., 2007). Therefore, based on the currently available information, it is unclear whether this variant is a pathogenic variant or a rare benign variant.